The following is an entry in ClinVar:

ClinVar aggregate classification (germline): Likely benign (1 of 4 stars; one submission).

gnomAD v4.1: 1 of 1,614,170 alleles (0.000062%); highest among the groups gnomAD compares: Admixed American, 0.0017%; no homozygotes.

Submission:

CeGaT Center for Human Genetics Tuebingen
Classification: Likely benign. Last evaluated: 2026-06-01. Review status: criteria provided, single submitter. Criteria: CeGaT Center For Human Genetics Tuebingen Variant Classification Criteria Version 2. Collection method: clinical testing. Allele origin: germline. Affected: yes. Observed: 1 variant allele.
Comment: MAP1B: BP4, BP7

NM_005909.5(MAP1B):c.6264T>C (p.Cys2088=)

Gene: MAP1B (microtubule associated protein 1B; plus strand). Cytogenetic location: 5q13.2.
Variant type: single nucleotide variant.
Coding change: c.6264T>C on transcript NM_005909.5 (MANE Select); coding-DNA position 6264, T replaced by C.
Protein change: p.Cys2088=; no amino-acid change (cysteine 2088 retained).
Molecular consequence: synonymous variant.
Genome position (GRCh38, 1-based): chr5:72,199,619, T>C. VCF-style: chr5-72199619-T-C. GRCh37 (hg19) VCF-style: chr5-71495446-T-C.
Other names: c.5886T>C, p.Cys1962= (NM_001324255.2).
Identifiers: ClinVar variation 4875407 (VCV004875407.2).